The following is an entry in ClinVar:

ClinVar aggregate classification (germline): Uncertain significance (1 of 4 stars; one submission).

Conditions:
Chédiak-Higashi syndrome (CHS). Also called: Chediak-Higashi Syndrome. Identifiers: Orphanet 167, MedGen C0007965, MONDO:0008963, OMIM 214500.

Allele frequency attached by ClinVar (database versions not stated): gnomAD exomes below 0.00001; TOPMed below 0.00001; ExAC 0.00001.
gnomAD v4.1: 7 of 1,613,568 alleles (0.00043%); highest among the groups gnomAD compares: South Asian, 0.0055%; no homozygotes.

Submission:

Labcorp Genetics (formerly Invitae), Labcorp
Classification: Uncertain significance for Chédiak-Higashi syndrome. Last evaluated: 2024-10-16. Review status: criteria provided, single submitter. Criteria: Invitae Variant Classification Sherloc (09022015). Collection method: clinical testing. Allele origin: germline.
Comment: This sequence change replaces arginine, which is basic and polar, with threonine, which is neutral and polar, at codon 2978 of the LYST protein (p.Arg2978Thr). This variant is present in population databases (rs777461813, gnomAD 0.006%). This variant has not been reported in the literature in individuals affected with LYST-related conditions. ClinVar contains an entry for this variant (Variation ID: 1415378). Invitae Evidence Modeling of protein sequence and biophysical properties (such as structural, functional, and spatial information, amino acid conservation, physicochemical variation, residue mobility, and thermodynamic stability) indicates that this missense variant is not expected to disrupt LYST protein function with a negative predictive value of 80%. In summary, the available evidence is currently insufficient to determine the role of this variant in disease. Therefore, it has been classified as a Variant of Uncertain Significance.

NM_000081.4(LYST):c.8933G>C (p.Arg2978Thr)

Gene: LYST (lysosomal trafficking regulator; minus strand). Cytogenetic location: 1q42.3.
Variant type: single nucleotide variant.
Coding change: c.8933G>C on transcript NM_000081.4 (MANE Select); coding-DNA position 8933, G replaced by C.
Protein change: p.Arg2978Thr; replaces arginine 2978 with threonine.
Molecular consequence: missense variant.
Genome position (GRCh38, 1-based): chr1:235,731,046, C>G on the plus strand (G>C on the coding strand, the complement: LYST is on the minus strand). VCF-style: chr1-235731046-C-G. GRCh37 (hg19) VCF-style: chr1-235894346-C-G.
Other names: c.8933G>C, p.Arg2978Thr (NM_001301365.1); short protein forms R2978T.
Identifiers: ClinVar variation 1415378 (VCV001415378.6), dbSNP rs777461813, ClinGen allele CA1465726.